The following is an entry in ClinVar:

ClinVar aggregate classification (germline): Benign/Likely benign. Review status: criteria provided, multiple submitters, no conflicts (2 of 4 stars). 4 submissions from 4 submitters: Benign (2); Likely benign (2). Last evaluated 2026-01-21.

Conditions:
Cardiovascular phenotype. Identifiers: MedGen CN230736.
DiGeorge syndrome. Also called: Catch22; THIRD AND FOURTH PHARYNGEAL POUCH SYNDROME. Identifiers: Orphanet 567, MedGen C0012236, MONDO:0008564, OMIM 188400.

Allele frequency attached by ClinVar (database versions not stated): gnomAD 0.00003 and 0.00049; TOPMed 0.00009; gnomAD exomes 0.00227; 1000 Genomes Project 30x 0.00437; 1000 Genomes Project 0.00459; ExAC 0.02187.

Submissions (4):

Labcorp Genetics (formerly Invitae), Labcorp
Classification: Benign for DiGeorge syndrome. Last evaluated: 2026-01-21. Review status: criteria provided, single submitter. Criteria: Invitae Variant Classification Sherloc (09022015). Collection method: clinical testing. Allele origin: germline.

Blueprint Genetics
Classification: Likely benign. Last evaluated: 2024-11-11. Review status: criteria provided, single submitter. Criteria: ACMG Guidelines, 2015. Collection method: clinical testing. Allele origin: germline.

GeneDx
Classification: Likely benign. Last evaluated: 2020-08-05. Review status: criteria provided, single submitter. Criteria: GeneDx Variant Classification Process June 2021. Collection method: clinical testing. Allele origin: germline. Affected: yes.
Comment: This variant is associated with the following publications: (PMID: 27879657)

Ambry Genetics
Classification: Benign for Cardiovascular phenotype. Last evaluated: 2017-02-10. Review status: criteria provided, single submitter. Criteria: Ambry Variant Classification Scheme 2023. Collection method: clinical testing. Allele origin: germline.

Literature cited by the submitters: PubMed 27879657 (cited by Ambry Genetics).

NM_001379200.1(TBX1):c.1052G>A (p.Arg351Gln)

Gene: TBX1 (T-box transcription factor 1; plus strand). Cytogenetic location: 22q11.21.
Variant type: single nucleotide variant.
Coding change: c.1052G>A on transcript NM_001379200.1 (MANE Select); coding-DNA position 1052, G replaced by A.
Protein change: p.Arg351Gln; replaces arginine 351 with glutamine.
Molecular consequence: missense variant. On other transcripts: intron variant (2).
Genome position (GRCh38, 1-based): chr22:19,766,404, G>A. VCF-style: chr22-19766404-G-A. GRCh37 (hg19) VCF-style: chr22-19753927-G-A.
Other names: c.1025G>A, p.Arg342Gln (NM_080647.1); c.1009+402G>A (NM_005992.1, NM_080646.2); short protein forms R342Q, R351Q.
Identifiers: ClinVar variation 518626 (VCV000518626.17), dbSNP rs549715785, ClinGen allele CA10102659.